The following is an entry in ClinVar:

NM_015166.4(MLC1):c.353C>G (p.Thr118Arg)

Gene: MLC1 (modulator of VRAC current 1; minus strand). Cytogenetic location: 22q13.33.
Variant type: single nucleotide variant.
Coding change: c.353C>G on transcript NM_015166.4 (MANE Select); coding-DNA position 353, C replaced by G.
Protein change: p.Thr118Arg; replaces threonine 118 with arginine.
Molecular consequence: missense variant. On other transcripts: non-coding transcript variant (3), intron variant (3).
Genome position (GRCh38, 1-based): chr22:50,079,988, G>C on the plus strand (C>G on the coding strand, the complement: MLC1 is on the minus strand). VCF-style: chr22-50079988-G-C. GRCh37 (hg19) VCF-style: chr22-50518417-G-C.
Other names: c.353C>G, p.Thr118Arg (NM_001376472.1, NM_001376473.1, NM_001376474.1 and 6 more transcripts); c.263C>G, p.Thr88Arg (NM_001376480.1); c.116C>G, p.Thr39Arg (NM_001376484.1); c.268-2486C>G (NM_001376482.1, NM_001376483.1); c.321+356C>G (NM_001376481.1); short protein forms T118R, T39R, T88R.
Identifiers: ClinVar variation 68792 (VCV000068792.2), dbSNP rs281875316, ClinGen allele CA219965.
Genomic context (GRCh38, chr22:50,079,988, plus strand): 5'-GATGGGTTCAGGACTAGTTTGCATCCAAACCAAATTAAACACGTAGTGGTCACAGCAAAC[G>C]TGGAAACAAACAATATCTGAAAGTTGGGAATCTGAAAAACAAGGCAGGAGGGGTTTTCCT-3'
Protein context (NP_055981.1, residues 108-128): IPNFQILFVS[Thr118Arg]FAVTTTCLIW

ClinVar aggregate classification (germline): Likely pathogenic. Review status: criteria provided, single submitter (1 of 4 stars). 2 submissions from 2 submitters: Likely pathogenic (1). 1 of the submissions does not count toward it. Last evaluated 2025-04-03.

Conditions:
Megalencephalic leukoencephalopathy with subcortical cysts. Also called: VAN DER KNAAP DISEASE. Identifiers: Orphanet 2478, MedGen C1858854, MONDO:0011391.

Submissions (2):

Natera, Inc.
Classification: Likely pathogenic for Megalencephalic leukoencephalopathy with subcortical cysts. Last evaluated: 2025-04-03. Review status: criteria provided, single submitter. Criteria: Natera Variant Classification Schema (03/2026). Collection method: clinical testing. Allele origin: germline.
Comment: The c.353C>G variant in MLC1 is a missense variant predicted to cause substitution of threonine to arginine at amino acid 118. This variant is rare in the general population with a frequency below the threshold expected for the associated phenotype(s). This variant has been observed in one or more individuals affected with the associated recessive disease, as either homozygous or compound heterozygous with a second variant (PMID: 21145992). A different variant at the same position has been determined to be Pathogenic or Likely Pathogenic. Computational prediction algorithms indicate this variant is likely to affect gene or protein function. Given the available evidence, this variant is classified as Likely Pathogenic.

UniProtKB/Swiss-Prot
No classification provided. Review status: no classification provided. Collection method: not provided. Allele origin: not provided. Not counted in ClinVar's aggregate classification.

Literature cited by the submitters: PubMed 21145992 (cited by Natera, Inc.).